The following is an entry in ClinVar:

NC_000009.11:g.(?_133951198)_(133952741_?)del

Gene: LAMC3 (laminin subunit gamma 3; plus strand). Cytogenetic location: 9q34.12.
Variant type: Deletion.
Identifiers: ClinVar variation 3245340 (VCV003245340.1).

ClinVar aggregate classification (germline): Pathogenic (1 of 4 stars; one submission).

Submission:

Labcorp Genetics (formerly Invitae), Labcorp
Classification: Pathogenic. Last evaluated: 2022-11-10. Review status: criteria provided, single submitter. Criteria: Invitae Variant Classification Sherloc (09022015). Collection method: clinical testing. Allele origin: unknown.
Comment: For these reasons, this variant has been classified as Pathogenic. This variant has not been reported in the literature in individuals affected with LAMC3-related conditions. This variant is a gross deletion of the genomic region encompassing exon(s) 21-22 of the LAMC3 gene. This deletion is out-of-frame, and is expected to create a premature termination codon and result in an absent or disrupted protein product. Loss-of-function variants in LAMC3 are known to be pathogenic (PMID: 21572413, 26802095).

Literature cited by the submitters: PubMed 21572413; PubMed 26802095.